The following is an entry in ClinVar:

NM_001354604.2(MITF):c.427C>A (p.Leu143Ile)

Gene: MITF (melanocyte inducing transcription factor; plus strand). Cytogenetic location: 3p13.
Variant type: single nucleotide variant.
Coding change: c.427C>A on transcript NM_001354604.2 (MANE Select); coding-DNA position 427, C replaced by A.
Protein change: p.Leu143Ile; replaces leucine 143 with isoleucine.
Molecular consequence: missense variant. On other transcripts: intron variant (1).
Genome position (GRCh38, 1-based): chr3:69,937,894, C>A. VCF-style: chr3-69937894-C-A. GRCh37 (hg19) VCF-style: chr3-69987045-C-A.
Other names: c.106C>A, p.Leu36Ile (NM_000248.4, NM_001184968.2, NM_198158.3); c.271C>A, p.Leu91Ile (NM_001184967.2, NM_001354608.2); c.424C>A, p.Leu142Ile (NM_001354605.2, NM_001354606.2, NM_006722.3); c.376C>A, p.Leu126Ile (NM_001354607.2); c.427C>A, p.Leu143Ile (NM_198159.3); c.379C>A, p.Leu127Ile (NM_198177.3); c.93+13C>A (NM_198178.3); short protein forms L142I, L143I, L126I, L127I, L36I, L91I.
Identifiers: ClinVar variation 3873229 (VCV003873229.2).

ClinVar aggregate classification (germline): Uncertain significance. Review status: criteria provided, multiple submitters, no conflicts (2 of 4 stars). 2 submissions from 2 submitters: Uncertain significance (2). Last evaluated 2025-03-02.

Conditions:
Tietz syndrome (TADS). Also called: HYPOPIGMENTATION/DEAFNESS OF TIETZ; TIETZ ALBINISM-DEAFNESS SYNDROME; ALBINISM-DEAFNESS OF TIETZ. Identifiers: Orphanet 42665, MedGen C0391816, MONDO:0007077, OMIM 103500.
Melanoma, cutaneous malignant, susceptibility to, 8. Also called: MELANOMA AND RENAL CELL CARCINOMA, SUSCEPTIBILITY TO; Cutaneous malignant melanoma 8. Identifiers: Orphanet 293822, MedGen C3152204, MONDO:0013759, OMIM 614456.
Waardenburg syndrome type 2A (WS2A). Also called: WAARDENBURG SYNDROME WITHOUT DYSTOPIA CANTHORUM. Identifiers: Orphanet 3440, MedGen C1860339, MONDO:0008671, OMIM 193510.
Hereditary cancer-predisposing syndrome. Also called: Tumor predisposition; Neoplastic Syndromes, Hereditary; Hereditary Cancer Syndrome; Hereditary neoplastic syndrome. Identifiers: Orphanet 140162, MedGen C0027672, MeSH D009386, MONDO:0015356.

Submissions (2):

Labcorp Genetics (formerly Invitae), Labcorp
Classification: Uncertain significance for Melanoma, cutaneous malignant, susceptibility to, 8; Waardenburg syndrome type 2A; Tietz syndrome. Last evaluated: 2025-03-02. Review status: criteria provided, single submitter. Criteria: Invitae Variant Classification Sherloc (09022015). Collection method: clinical testing. Allele origin: germline.
Comment: This sequence change replaces leucine, which is neutral and non-polar, with isoleucine, which is neutral and non-polar, at codon 36 of the MITF protein (p.Leu36Ile). This variant is not present in population databases (gnomAD no frequency). This variant has not been reported in the literature in individuals affected with MITF-related conditions. Invitae Evidence Modeling of protein sequence and biophysical properties (such as structural, functional, and spatial information, amino acid conservation, physicochemical variation, residue mobility, and thermodynamic stability) has been performed for this missense variant. However, the output from this modeling did not meet the statistical confidence thresholds required to predict the impact of this variant on MITF protein function. In summary, the available evidence is currently insufficient to determine the role of this variant in disease. Therefore, it has been classified as a Variant of Uncertain Significance.

Ambry Genetics
Classification: Uncertain significance for Hereditary cancer-predisposing syndrome. Last evaluated: 2025-01-21. Review status: criteria provided, single submitter. Criteria: Ambry Variant Classification Scheme 2023. Collection method: clinical testing. Allele origin: germline.
Comment: The p.L36I variant (also known as c.106C>A), located in coding exon 2 of the MITF gene, results from a C to A substitution at nucleotide position 106. The leucine at codon 36 is replaced by isoleucine, an amino acid with highly similar properties. This amino acid position is conserved. In addition, the in silico prediction for this alteration is inconclusive. Based on the available evidence, the clinical significance of this variant remains unclear.